The following is an entry in ClinVar:

NM_000057.4(BLM):c.3558+1G>A

Gene: BLM (BLM RecQ like helicase; plus strand). Cytogenetic location: 15q26.1.
Variant type: single nucleotide variant.
Coding change: c.3558+1G>A on transcript NM_000057.4 (MANE Select); the canonical splice donor site of the intron after coding-DNA position 3558, G replaced by A.
Molecular consequence: splice donor variant. On other transcripts: intron variant (1).
Genome position (GRCh38, 1-based): chr15:90,803,721, G>A. VCF-style: chr15-90803721-G-A. GRCh37 (hg19) VCF-style: chr15-91346951-G-A.
Other names: c.3558+1G>A (NM_001287246.2, NM_000057.3); c.2433+1G>A (NM_001287248.2); c.3358+5384G>A (NM_001287247.2).
Identifiers: ClinVar variation 2137744 (VCV002137744.5), dbSNP rs148969222, ClinGen allele CA344534.

ClinVar aggregate classification (germline): Pathogenic. Review status: criteria provided, multiple submitters, no conflicts (2 of 4 stars). 2 submissions from 2 submitters: Pathogenic (2). Last evaluated 2025-03-21.

Conditions:
Bloom syndrome (BLM). Also called: Bloom-Torre-Machacek syndrome. Identifiers: Orphanet 125, MedGen C0005859, MONDO:0008876, OMIM 210900.

Submissions (2):

Natera, Inc.
Classification: Pathogenic for Bloom syndrome. Last evaluated: 2025-03-21. Review status: criteria provided, single submitter. Criteria: Natera Variant Classification Schema (03/2026). Collection method: clinical testing. Allele origin: germline.
Comment: The c.3558+1G>A variant in BLM is a canonical splice donor site variant predicted to affect pre-mRNA splicing, which may result in an abnormal transcript and altered protein product. This variant is expected to result in nonsense mediated decay, truncation, or a dysfunctional protein product. This variant is rare in the general population with a frequency below the threshold expected for the associated phenotype(s). Another variant at this same site results in an alteration predicted to cause a similar molecular effect has been observed in individual(s) with the associated phenotype. Given the available evidence, this variant is classified as Pathogenic.

Labcorp Genetics (formerly Invitae), Labcorp
Classification: Pathogenic for Bloom syndrome. Last evaluated: 2022-07-08. Review status: criteria provided, single submitter. Criteria: Invitae Variant Classification Sherloc (09022015). Collection method: clinical testing. Allele origin: germline.
Comment: For these reasons, this variant has been classified as Pathogenic. Algorithms developed to predict the effect of sequence changes on RNA splicing suggest that this variant may disrupt the consensus splice site. Disruption of this splice site has been observed in individuals with Bloom syndrome (PMID: 17407155; Invitae). The frequency data for this variant in the population databases is considered unreliable, as metrics indicate poor data quality at this position in the gnomAD database. This sequence change affects a donor splice site in intron 18 of the BLM gene. It is expected to disrupt RNA splicing. Variants that disrupt the donor or acceptor splice site typically lead to a loss of protein function (PMID: 16199547), and loss-of-function variants in BLM are known to be pathogenic (PMID: 17407155).

Literature cited by the submitters: PubMed 17407155 (cited by Labcorp Genetics (formerly Invitae), Labcorp); PubMed 16199547 (cited by Labcorp Genetics (formerly Invitae), Labcorp).